The following is an entry in ClinVar:

ClinVar aggregate classification (germline): Uncertain significance (1 of 4 stars; one submission).

Submission:

GeneDx
Classification: Uncertain significance. Last evaluated: 2025-03-10. Review status: criteria provided, single submitter. Criteria: GeneDx Variant Classification Process June 2021. Collection method: clinical testing. Allele origin: germline. Affected: yes.
Comment: Canonical splice site variant with an unclear effect on protein function; Not observed at significant frequency in large population cohorts (gnomAD); Has not been previously published as pathogenic or benign to our knowledge

NM_000501.4(ELN):c.427+1G>T

Gene: ELN (elastin; plus strand). Cytogenetic location: 7q11.23.
Variant type: single nucleotide variant.
Coding change: c.427+1G>T on transcript NM_000501.4 (MANE Select); the canonical splice donor site of the intron after coding-DNA position 427, G replaced by T.
Molecular consequence: splice donor variant.
Genome position (GRCh38, 1-based): chr7:74,043,169, G>T. VCF-style: chr7-74043169-G-T. GRCh37 (hg19) VCF-style: chr7-73457499-G-T.
Other names: c.442+1G>T (NM_001081754.3, NM_001081753.3); c.427+1G>T (NM_001278939.2, NM_001278915.2, NM_001278912.2 and 2 more transcripts); c.391+1G>T (NM_001278913.2); c.412+1G>T (NM_001278914.2); c.397+1G>T (NM_001278917.2, NM_001081752.3, NM_001278918.2).
Identifiers: ClinVar variation 4083236 (VCV004083236.1).